The following is an entry in ClinVar:

ClinVar aggregate classification (germline): Uncertain significance. Review status: criteria provided, multiple submitters, no conflicts (2 of 4 stars). 2 submissions from 2 submitters: Uncertain significance (2). Last evaluated 2026-06-01.

Conditions:
Cranioectodermal dysplasia 2 (CED2). Identifiers: Orphanet 1515, MedGen C3150874, MONDO:0013323, OMIM 613610.
Short-rib thoracic dysplasia 7 with or without polydactyly (SRTD7). Also called: Short rib polydactyly syndrome 5; SHORT-RIB THORACIC DYSPLASIA 7 WITH POLYDACTYLY. Identifiers: Orphanet 498497, Orphanet 93271, MedGen C3279792, MONDO:0013569, OMIM 614091.

Allele frequency attached by ClinVar (database versions not stated): gnomAD 0.00004; gnomAD exomes 0.00004 and 0.00012; ExAC 0.00006; TOPMed 0.00006.
gnomAD v4.1: 183 of 1,614,060 alleles (0.011%); highest among the groups gnomAD compares: Non-Finnish European, 0.015%; no homozygotes.

Submissions (2):

CeGaT Center for Human Genetics Tuebingen
Classification: Uncertain significance. Last evaluated: 2026-06-01. Review status: criteria provided, single submitter. Criteria: CeGaT Center For Human Genetics Tuebingen Variant Classification Criteria Version 2. Collection method: clinical testing. Allele origin: germline. Affected: yes. Observed: 1 variant allele.
Comment: WDR35: PM2, BP4

Labcorp Genetics (formerly Invitae), Labcorp
Classification: Uncertain significance for Cranioectodermal dysplasia 2; Short-rib thoracic dysplasia 7 with or without polydactyly. Last evaluated: 2022-03-16. Review status: criteria provided, single submitter. Criteria: Invitae Variant Classification Sherloc (09022015). Collection method: clinical testing. Allele origin: germline.
Comment: This sequence change replaces threonine, which is neutral and polar, with serine, which is neutral and polar, at codon 1114 of the WDR35 protein (p.Thr1114Ser). This variant is present in population databases (rs774898515, gnomAD 0.009%). This variant has not been reported in the literature in individuals affected with WDR35-related conditions. Algorithms developed to predict the effect of missense changes on protein structure and function (SIFT, PolyPhen-2, Align-GVGD) all suggest that this variant is likely to be tolerated. In summary, the available evidence is currently insufficient to determine the role of this variant in disease. Therefore, it has been classified as a Variant of Uncertain Significance.

NM_020779.4(WDR35):c.3307A>T (p.Thr1103Ser)

Gene: WDR35 (WD repeat domain 35; minus strand). Cytogenetic location: 2p24.1.
Variant type: single nucleotide variant.
Coding change: c.3307A>T on transcript NM_020779.4 (MANE Select); coding-DNA position 3307, A replaced by T.
Protein change: p.Thr1103Ser; replaces threonine 1103 with serine.
Molecular consequence: missense variant.
Genome position (GRCh38, 1-based): chr2:19,914,092, T>A on the plus strand (A>T on the coding strand, the complement: WDR35 is on the minus strand). VCF-style: chr2-19914092-T-A. GRCh37 (hg19) VCF-style: chr2-20113853-T-A.
Other names: c.3340A>T, p.Thr1114Ser (NM_001006657.2); short protein forms T1103S, T1114S.
Identifiers: ClinVar variation 1469107 (VCV001469107.5), dbSNP rs774898515, ClinGen allele CA1542702.